The following is an entry in ClinVar:

ClinVar aggregate classification (germline): Uncertain significance. Review status: criteria provided, multiple submitters, no conflicts (2 of 4 stars). 2 submissions from 2 submitters: Uncertain significance (2). Last evaluated 2025-08-03.

Conditions:
Familial cancer of breast. Also called: hereditary breast carcinoma; BREAST CANCER, FAMILIAL; Hereditary breast cancer. Identifiers: Orphanet 227535, MedGen C0346153, MONDO:0016419, OMIM 114480. Disease mechanism: loss of function.
Hereditary cancer-predisposing syndrome. Also called: Hereditary Cancer Syndrome; Hereditary neoplastic syndrome; Tumor predisposition; Neoplastic Syndromes, Hereditary. Identifiers: Orphanet 140162, MedGen C0027672, MeSH D009386, MONDO:0015356.

Allele frequency attached by ClinVar (database versions not stated): TOPMed below 0.00001.

Submissions (2):

Ambry Genetics
Classification: Uncertain significance for Hereditary cancer-predisposing syndrome. Last evaluated: 2025-08-03. Review status: criteria provided, single submitter. Criteria: Ambry Variant Classification Scheme 2023. Collection method: clinical testing. Allele origin: germline.

Labcorp Genetics (formerly Invitae), Labcorp
Classification: Uncertain significance for Familial cancer of breast. Last evaluated: 2023-11-20. Review status: criteria provided, single submitter. Criteria: Invitae Variant Classification Sherloc (09022015). Collection method: clinical testing. Allele origin: germline.
Comment: This sequence change replaces serine, which is neutral and polar, with phenylalanine, which is neutral and non-polar, at codon 1054 of the PALB2 protein (p.Ser1054Phe). This variant is not present in population databases (gnomAD no frequency). This variant has not been reported in the literature in individuals affected with PALB2-related conditions. ClinVar contains an entry for this variant (Variation ID: 843245). Advanced modeling of protein sequence and biophysical properties (such as structural, functional, and spatial information, amino acid conservation, physicochemical variation, residue mobility, and thermodynamic stability) performed at Invitae indicates that this missense variant is expected to disrupt PALB2 protein function with a positive predictive value of 80%. In summary, the available evidence is currently insufficient to determine the role of this variant in disease. Therefore, it has been classified as a Variant of Uncertain Significance.

NM_024675.4(PALB2):c.3161C>T (p.Ser1054Phe)

Gene: PALB2 (partner and localizer of BRCA2; minus strand). Cytogenetic location: 16p12.2.
Variant type: single nucleotide variant.
Coding change: c.3161C>T on transcript NM_024675.4 (MANE Select); coding-DNA position 3161, C replaced by T.
Protein change: p.Ser1054Phe; replaces serine 1054 with phenylalanine.
Molecular consequence: missense variant.
Genome position (GRCh38, 1-based): chr16:23,614,044, G>A on the plus strand (C>T on the coding strand, the complement: PALB2 is on the minus strand). VCF-style: chr16-23614044-G-A. GRCh37 (hg19) VCF-style: chr16-23625365-G-A.
Other names: short protein forms S1054F.
Identifiers: ClinVar variation 843245 (VCV000843245.15), dbSNP rs1227213725, ClinGen allele CA395141281.